The following is an entry in ClinVar:

NM_014112.5(TRPS1):c.2769T>G (p.Asn923Lys)

Gene: TRPS1 (transcriptional repressor GATA binding 1; minus strand). Cytogenetic location: 8q23.3.
Variant type: single nucleotide variant.
Coding change: c.2769T>G on transcript NM_014112.5 (MANE Select); coding-DNA position 2769, T replaced by G.
Protein change: p.Asn923Lys; replaces asparagine 923 with lysine.
Molecular consequence: missense variant.
Genome position (GRCh38, 1-based): chr8:115,418,384, A>C on the plus strand (T>G on the coding strand, the complement: TRPS1 is on the minus strand). VCF-style: chr8-115418384-A-C. GRCh37 (hg19) VCF-style: chr8-116430612-A-C.
Other names: c.2742T>G, p.Asn914Lys (NM_001282902.3); c.2748T>G, p.Asn916Lys (NM_001282903.3); c.2730T>G, p.Asn910Lys (NM_001330599.2); short protein forms N914K, N916K, N910K, N923K.
Identifiers: ClinVar variation 843076 (VCV000843076.9), dbSNP rs775374141, ClinGen allele CA372064286.

ClinVar aggregate classification (germline): Uncertain significance (1 of 4 stars; one submission).

Conditions:
Trichorhinophalangeal dysplasia type I (TRPS1). Also called: TRPS I; TRICHORHINOPHALANGEAL SYNDROME, TYPE I. Identifiers: Orphanet 77258, MedGen C0432233, MONDO:0008596, OMIM 190350.
Trichorhinophalangeal syndrome, type III (TRPS3). Also called: SUGIO-KAJII SYNDROME. Identifiers: Orphanet 77258, MedGen C1860823, OMIM 190351, MONDO:0008597.

Submission:

Labcorp Genetics (formerly Invitae), Labcorp
Classification: Uncertain significance for Trichorhinophalangeal syndrome, type III; Trichorhinophalangeal dysplasia type I. Last evaluated: 2019-09-17. Review status: criteria provided, single submitter. Criteria: Invitae Variant Classification Sherloc (09022015). Collection method: clinical testing. Allele origin: germline.
Comment: Algorithms developed to predict the effect of missense changes on protein structure and function (SIFT, PolyPhen-2, Align-GVGD) all suggest that this variant is likely to be disruptive, but these predictions have not been confirmed by published functional studies and their clinical significance is uncertain. This sequence change replaces asparagine with lysine at codon 923 of the TRPS1 protein (p.Asn923Lys). The asparagine residue is highly conserved and there is a moderate physicochemical difference between asparagine and lysine. This variant is not present in population databases (ExAC no frequency). This variant has not been reported in the literature in individuals with TRPS1-related conditions. In summary, the available evidence is currently insufficient to determine the role of this variant in disease. Therefore, it has been classified as a Variant of Uncertain Significance.